The following is an entry in ClinVar:

NM_003124.5(SPR):c.472C>G (p.Leu158Val)

Gene: SPR (sepiapterin reductase; plus strand). Cytogenetic location: 2p13.2.
Variant type: single nucleotide variant.
Coding change: c.472C>G on transcript NM_003124.5 (MANE Select); coding-DNA position 472, C replaced by G.
Protein change: p.Leu158Val; replaces leucine 158 with valine.
Molecular consequence: missense variant.
Genome position (GRCh38, 1-based): chr2:72,888,481, C>G. VCF-style: chr2-72888481-C-G. GRCh37 (hg19) VCF-style: chr2-73115610-C-G.
Other names: short protein forms L158V.
Identifiers: ClinVar variation 444506 (VCV000444506.43), dbSNP rs1382131975, ClinGen allele CA347231819.

ClinVar aggregate classification (germline): Uncertain significance (1 of 4 stars; one submission).

Allele frequency attached by ClinVar (database versions not stated): gnomAD 0.00001; gnomAD exomes 0.00001; TOPMed 0.00001.
gnomAD v4.1: 9 of 1,613,838 alleles (0.00056%); highest among the groups gnomAD compares: Middle Eastern, 0.066%; no homozygotes.

Submission:

CeGaT Center for Human Genetics Tuebingen
Classification: Uncertain significance. Last evaluated: 2025-11-01. Review status: criteria provided, single submitter. Criteria: CeGaT Center For Human Genetics Tuebingen Variant Classification Criteria Version 2. Collection method: clinical testing. Allele origin: germline. Affected: yes. Observed: 2 variant alleles.
Comment: SPR: PM2, BP4